The following is an entry in ClinVar:

ClinVar aggregate classification (germline): Uncertain significance. Review status: criteria provided, multiple submitters, no conflicts (2 of 4 stars). 2 submissions from 2 submitters: Uncertain significance (2). Last evaluated 2025-05-07.

Conditions:
Aicardi-Goutieres syndrome 2. Identifiers: Orphanet 51, MedGen C3489724, MONDO:0012429, OMIM 610181.
Inborn genetic diseases. Identifiers: MedGen C0950123, MeSH D030342.

Allele frequency attached by ClinVar (database versions not stated): gnomAD exomes 0.00002 and 0.00001.
gnomAD v4.1: 4 of 1,597,834 alleles (0.00025%); highest among the groups gnomAD compares: East Asian, 0.0067%; no homozygotes.

Submissions (2):

Ambry Genetics
Classification: Uncertain significance for Inborn genetic diseases. Last evaluated: 2025-05-07. Review status: criteria provided, single submitter. Criteria: Ambry Variant Classification Scheme 2023. Collection method: clinical testing. Allele origin: germline.

Labcorp Genetics (formerly Invitae), Labcorp
Classification: Uncertain significance for Aicardi-Goutieres syndrome 2. Last evaluated: 2021-12-02. Review status: criteria provided, single submitter. Criteria: Invitae Variant Classification Sherloc (09022015). Collection method: clinical testing. Allele origin: germline.
Comment: This sequence change replaces glycine, which is neutral and non-polar, with glutamic acid, which is acidic and polar, at codon 302 of the RNASEH2B protein (p.Gly302Glu). The frequency data for this variant in the population databases is considered unreliable, as metrics indicate poor data quality at this position in the gnomAD database. This variant has not been reported in the literature in individuals affected with RNASEH2B-related conditions. Algorithms developed to predict the effect of missense changes on protein structure and function are either unavailable or do not agree on the potential impact of this missense change (SIFT: "Tolerated"; PolyPhen-2: "Possibly Damaging"; Align-GVGD: "Class C0"). In summary, the available evidence is currently insufficient to determine the role of this variant in disease. Therefore, it has been classified as a Variant of Uncertain Significance.

NM_024570.4(RNASEH2B):c.905G>A (p.Gly302Glu)

Gene: RNASEH2B (ribonuclease H2 subunit B; plus strand). Cytogenetic location: 13q14.3.
Variant type: single nucleotide variant.
Coding change: c.905G>A on transcript NM_024570.4 (MANE Select); coding-DNA position 905, G replaced by A.
Protein change: p.Gly302Glu; replaces glycine 302 with glutamic acid.
Molecular consequence: missense variant. On other transcripts: intron variant (1).
Genome position (GRCh38, 1-based): chr13:50,956,440, G>A. VCF-style: chr13-50956440-G-A. GRCh37 (hg19) VCF-style: chr13-51530576-G-A.
Other names: c.741+6935G>A (NM_001142279.2); c.905G>A (NM_024570.3); short protein forms G302E.
Identifiers: ClinVar variation 1464251 (VCV001464251.4), dbSNP rs1462322143, ClinGen allele CA388260454.